The following is an entry in ClinVar:

ClinVar aggregate classification (germline): Likely benign. Review status: criteria provided, multiple submitters, no conflicts (2 of 4 stars). 3 submissions from 3 submitters: Likely benign (2). 1 of the submissions does not count toward it. Last evaluated 2026-01-12.

Conditions:
ZIC3-related disorder. Also called: ZIC3-Related Disorders; ZIC3-related condition.
Heterotaxy, visceral, 1, X-linked (HTX1). Also called: Laterality, X-linked; Visceral heterotaxia; SITUS INVERSUS, COMPLEX CARDIAC DEFECTS, AND SPLENIC DEFECTS, X-LINKED; DEXTROCARDIA WITH OTHER CARDIAC MALFORMATIONS. Identifiers: Orphanet 450, MedGen C1844020, MONDO:0010607, OMIM 306955.

Allele frequency attached by ClinVar (database versions not stated): gnomAD 0.00005 and 0.00008; gnomAD exomes 0.00006 and 0.00009; TOPMed 0.00007; ExAC 0.00014.
gnomAD v4.1: 75 of 1,204,020 alleles (0.0062%); highest among the groups gnomAD compares: Middle Eastern, 0.093%; no homozygotes.

Submissions (3):

Labcorp Genetics (formerly Invitae), Labcorp
Classification: Likely benign for Heterotaxy, visceral, 1, X-linked. Last evaluated: 2026-01-12. Review status: criteria provided, single submitter. Criteria: Invitae Variant Classification Sherloc (09022015). Collection method: clinical testing. Allele origin: germline.

CeGaT Center for Human Genetics Tuebingen
Classification: Likely benign. Last evaluated: 2025-02-01. Review status: criteria provided, single submitter. Criteria: CeGaT Center For Human Genetics Tuebingen Variant Classification Criteria Version 2. Collection method: clinical testing. Allele origin: germline. Affected: yes. Observed: 2 variant alleles.
Comment: ZIC3: BP4, BP7, BS2

PreventionGenetics, part of Exact Sciences
Classification: Likely benign for ZIC3-related condition. Last evaluated: 2022-01-17. Review status: no assertion criteria provided. Collection method: clinical testing. Allele origin: germline. Not counted in ClinVar's aggregate classification.
Comment: This variant is classified as likely benign based on ACMG/AMP sequence variant interpretation guidelines (Richards et al. 2015 PMID: 25741868, with internal and published modifications).

NM_003413.4(ZIC3):c.426C>T (p.Gly142=)

Gene: ZIC3 (Zic family zinc finger 3; plus strand). Cytogenetic location: Xq26.3.
Variant type: single nucleotide variant.
Coding change: c.426C>T on transcript NM_003413.4 (MANE Select); coding-DNA position 426, C replaced by T.
Protein change: p.Gly142=; no amino-acid change (glycine 142 retained).
Molecular consequence: synonymous variant.
Genome position (GRCh38, 1-based): chrX:137,567,117, C>T. VCF-style: chrX-137567117-C-T. GRCh37 (hg19) VCF-style: chrX-136649276-C-T.
Other names: c.426C>T, p.Gly142= (NM_001330661.1); c.426C>T (NM_003413.3).
Identifiers: ClinVar variation 1101301 (VCV001101301.24), dbSNP rs750150672, ClinGen allele CA10529291.